The following is an entry in ClinVar:

ClinVar aggregate classification (germline): Uncertain significance (1 of 4 stars; one submission).

Submission:

GeneDx
Classification: Uncertain significance. Last evaluated: 2024-05-10. Review status: criteria provided, single submitter. Criteria: GeneDx Variant Classification Process June 2021. Collection method: clinical testing. Allele origin: germline. Affected: yes.
Comment: Not observed at significant frequency in large population cohorts (gnomAD); Has not been previously published as pathogenic or benign to our knowledge; Frameshift variant predicted to result in protein truncation or nonsense mediated decay in a gene for which loss-of-function is not an established mechanism of disease

NM_001286.5(CLCN6):c.1603dup (p.Arg535fs)

Gene: CLCN6 (chloride voltage-gated channel 6; plus strand). Cytogenetic location: 1p36.22.
Variant type: Duplication.
Coding change: c.1603dup on transcript NM_001286.5 (MANE Select); coding-DNA position 1603, one base duplicated (C; older notation c.1603dupC).
Protein change: p.Arg535fs; shifts the reading frame from arginine 535.
Molecular consequence: frameshift variant. On other transcripts: non-coding transcript variant (1).
Genome position (GRCh38, 1-based): chr1:11,834,312, C duplicated; the last of 2 consecutive C bases (chr1:11,834,311-11,834,312); duplicating either gives the same sequence. VCF-style (leftmost placement, unchanged base first): chr1-11834310-T-TC. GRCh37 (hg19) VCF-style: chr1-11894367-T-TC.
Other names: c.1537dup, p.Arg513fs (NM_001256959.2); short protein forms R513fs, R535fs.
Identifiers: ClinVar variation 3381481 (VCV003381481.1).